The following is an entry in ClinVar:

ClinVar aggregate classification (germline): Uncertain significance. Review status: criteria provided, multiple submitters, no conflicts (2 of 4 stars). 2 submissions from 2 submitters: Uncertain significance (2). Last evaluated 2023-05-23.

Conditions:
Charcot-Marie-Tooth Neuropathy X. Identifiers: MedGen CN118851.

Submissions (2):

Labcorp Genetics (formerly Invitae), Labcorp
Classification: Uncertain significance for Charcot-Marie-Tooth Neuropathy X. Last evaluated: 2023-05-23. Review status: criteria provided, single submitter. Criteria: Invitae Variant Classification Sherloc (09022015). Collection method: clinical testing. Allele origin: germline.
Comment: This sequence change replaces valine, which is neutral and non-polar, with glutamic acid, which is acidic and polar, at codon 210 of the GJB1 protein (p.Val210Glu). In summary, the available evidence is currently insufficient to determine the role of this variant in disease. Therefore, it has been classified as a Variant of Uncertain Significance. Advanced modeling of protein sequence and biophysical properties (such as structural, functional, and spatial information, amino acid conservation, physicochemical variation, residue mobility, and thermodynamic stability) performed at Invitae indicates that this missense variant is not expected to disrupt GJB1 protein function. ClinVar contains an entry for this variant (Variation ID: 447440). This variant has not been reported in the literature in individuals affected with GJB1-related conditions. This variant is not present in population databases (gnomAD no frequency).

Athena Diagnostics
Classification: Uncertain significance. Last evaluated: 2017-04-26. Review status: criteria provided, single submitter. Criteria: Athena Diagnostics Criteria. Collection method: clinical testing. Allele origin: germline.

NM_000166.6(GJB1):c.629T>A (p.Val210Glu)

Gene: GJB1 (gap junction protein beta 1; plus strand). Cytogenetic location: Xq13.1.
Variant type: single nucleotide variant.
Coding change: c.629T>A on transcript NM_000166.6 (MANE Select); coding-DNA position 629, T replaced by A.
Protein change: p.Val210Glu; replaces valine 210 with glutamic acid.
Molecular consequence: missense variant.
Genome position (GRCh38, 1-based): chrX:71,224,336, T>A. VCF-style: chrX-71224336-T-A. GRCh37 (hg19) VCF-style: chrX-70444186-T-A.
Other names: c.629T>A, p.Val210Glu (NM_001097642.3); short protein forms V210E.
Identifiers: ClinVar variation 447440 (VCV000447440.11), dbSNP rs1555937274, ClinGen allele CA413503359.